The following is an entry in ClinVar:

ClinVar aggregate classification (germline): Uncertain significance. Review status: criteria provided, multiple submitters, no conflicts (2 of 4 stars). 4 submissions from 4 submitters: Uncertain significance (3). 1 of the submissions does not count toward it. Last evaluated 2024-08-07.

Conditions:
CFHR5 deficiency. Identifiers: MedGen C3553720.

Allele frequency attached by ClinVar (database versions not stated): gnomAD below 0.00001 and 0.00001; TOPMed 0.00001; ExAC 0.00002; gnomAD exomes 0.00002.

Submissions (4):

Labcorp Genetics (formerly Invitae), Labcorp
Classification: Uncertain significance. Last evaluated: 2024-08-07. Review status: criteria provided, single submitter. Criteria: Invitae Variant Classification Sherloc (09022015). Collection method: clinical testing. Allele origin: germline.
Comment: This sequence change creates a premature translational stop signal (p.Gln399*) in the CFHR5 gene. It is expected to result in an absent or disrupted protein product. However, the current clinical and genetic evidence is not sufficient to establish whether loss-of-function variants in CFHR5 cause disease. This variant is present in population databases (rs772780646, gnomAD 0.02%). This variant has not been reported in the literature in individuals affected with CFHR5-related conditions. ClinVar contains an entry for this variant (Variation ID: 632092). In summary, the available evidence is currently insufficient to determine the role of this variant in disease. Therefore, it has been classified as a Variant of Uncertain Significance.

Genome-Nilou Lab
Classification: Uncertain significance for C3 glomerulonephritis. Last evaluated: 2023-04-11. Review status: criteria provided, single submitter. Criteria: ACMG Guidelines, 2015. Collection method: clinical testing. Allele origin: germline. Affected: no.

Mayo Clinic Laboratories, Mayo Clinic
Classification: Uncertain significance. Last evaluated: 2022-01-13. Review status: criteria provided, single submitter. Criteria: ACMG Guidelines, 2015. Collection method: clinical testing. Allele origin: germline.

Gharavi Laboratory, Columbia University
Classification: Uncertain significance. Last evaluated: 2018-09-16. Review status: no assertion criteria provided. Criteria: ACMG Guidelines, 2015. Collection method: research. Allele origin: germline. Affected: no. Not counted in ClinVar's aggregate classification.

NM_030787.4(CFHR5):c.1195C>T (p.Gln399Ter)

Gene: CFHR5 (complement factor H related 5; plus strand). Cytogenetic location: 1q31.3.
Variant type: single nucleotide variant.
Coding change: c.1195C>T on transcript NM_030787.4 (MANE Select); coding-DNA position 1195, C replaced by T.
Protein change: p.Gln399Ter; replaces glutamine 399 with a stop codon.
Molecular consequence: nonsense.
Genome position (GRCh38, 1-based): chr1:197,002,529, C>T. VCF-style: chr1-197002529-C-T. GRCh37 (hg19) VCF-style: chr1-196971659-C-T.
Other names: p.Gln399*; short protein forms Q399*.
Identifiers: ClinVar variation 632092 (VCV000632092.12), dbSNP rs772780646, ClinGen allele CA1307997.